The following is an entry in ClinVar:

NM_003791.4(MBTPS1):c.1396C>G (p.Leu466Val)

Gene: MBTPS1 (membrane bound transcription factor peptidase, site 1; minus strand). Cytogenetic location: 16q23.3.
Variant type: single nucleotide variant.
Coding change: c.1396C>G on transcript NM_003791.4 (MANE Select); coding-DNA position 1396, C replaced by G.
Protein change: p.Leu466Val; replaces leucine 466 with valine.
Molecular consequence: missense variant.
Genome position (GRCh38, 1-based): chr16:84,081,799, G>C on the plus strand (C>G on the coding strand, the complement: MBTPS1 is on the minus strand). VCF-style: chr16-84081799-G-C. GRCh37 (hg19) VCF-style: chr16-84115404-G-C.
Other names: c.1396C>G (NM_003791.2); short protein forms L466V.
Identifiers: ClinVar variation 2193873 (VCV002193873.5), dbSNP rs373075366, ClinGen allele CA8201341.

ClinVar aggregate classification (germline): Uncertain significance. Review status: criteria provided, multiple submitters, no conflicts (2 of 4 stars). 2 submissions from 2 submitters: Uncertain significance (2). Last evaluated 2025-09-25.

Conditions:
Inborn genetic diseases. Identifiers: MedGen C0950123, MeSH D030342.

Allele frequency attached by ClinVar (database versions not stated): ExAC 0.00005; ESP Exome Variant Server 0.00008; gnomAD 0.00003; TOPMed 0.00003; gnomAD exomes 0.00006.
gnomAD v4.1: 77 of 1,525,876 alleles (0.005%); highest among the groups gnomAD compares: Non-Finnish European, 0.0066%; no homozygotes.

Submissions (2):

Ambry Genetics
Classification: Uncertain significance for Inborn genetic diseases. Last evaluated: 2025-09-25. Review status: criteria provided, single submitter. Criteria: Ambry Variant Classification Scheme 2023. Collection method: clinical testing. Allele origin: germline.

Labcorp Genetics (formerly Invitae), Labcorp
Classification: Uncertain significance. Last evaluated: 2022-06-04. Review status: criteria provided, single submitter. Criteria: Invitae Variant Classification Sherloc (09022015). Collection method: clinical testing. Allele origin: germline.
Comment: In summary, the available evidence is currently insufficient to determine the role of this variant in disease. Therefore, it has been classified as a Variant of Uncertain Significance. Algorithms developed to predict the effect of sequence changes on RNA splicing suggest that this variant may create or strengthen a splice site. Algorithms developed to predict the effect of missense changes on protein structure and function are either unavailable or do not agree on the potential impact of this missense change (SIFT: "Deleterious"; PolyPhen-2: "Possibly Damaging"; Align-GVGD: "Class C0"). This variant has not been reported in the literature in individuals affected with MBTPS1-related conditions. This variant is present in population databases (rs373075366, gnomAD 0.008%). This sequence change replaces leucine, which is neutral and non-polar, with valine, which is neutral and non-polar, at codon 466 of the MBTPS1 protein (p.Leu466Val).